The following is an entry in ClinVar:

ClinVar aggregate classification (germline): Uncertain significance (1 of 4 stars; one submission).

Conditions:
Hereditary nonpolyposis colorectal neoplasms. Identifiers: MedGen C0009405, MeSH D003123.

Submission:

Labcorp Genetics (formerly Invitae), Labcorp
Classification: Uncertain significance for Hereditary nonpolyposis colorectal neoplasms. Last evaluated: 2020-11-15. Review status: criteria provided, single submitter. Criteria: Invitae Variant Classification Sherloc (09022015). Collection method: clinical testing. Allele origin: germline.
Comment: This sequence change replaces isoleucine with threonine at codon 144 of the PMS2 protein (p.Ile144Thr). The isoleucine residue is weakly conserved and there is a moderate physicochemical difference between isoleucine and threonine. This variant is not present in population databases (ExAC no frequency). This variant has not been reported in the literature in individuals with PMS2-related conditions. Advanced modeling of protein sequence and biophysical properties (such as structural, functional, and spatial information, amino acid conservation, physicochemical variation, residue mobility, and thermodynamic stability) performed at Invitae indicates that this missense variant is not expected to disrupt PMS2 protein function. In summary, the available evidence is currently insufficient to determine the role of this variant in disease. Therefore, it has been classified as a Variant of Uncertain Significance.

NM_000535.7(PMS2):c.431T>C (p.Ile144Thr)

Gene: PMS2 (PMS1 homolog 2, mismatch repair system component; minus strand). Cytogenetic location: 7p22.1.
Variant type: single nucleotide variant.
Coding change: c.431T>C on transcript NM_000535.7 (MANE Select); coding-DNA position 431, T replaced by C.
Protein change: p.Ile144Thr; replaces isoleucine 144 with threonine.
Molecular consequence: missense variant. On other transcripts: 5 prime UTR variant (2), non-coding transcript variant (1).
Genome position (GRCh38, 1-based): chr7:6,002,559, A>G on the plus strand (T>C on the coding strand, the complement: PMS2 is on the minus strand). VCF-style: chr7-6002559-A-G. GRCh37 (hg19) VCF-style: chr7-6042190-A-G.
Other names: c.26T>C, p.Ile9Thr (NM_001322003.2, NM_001322004.2, NM_001322005.2 and 3 more transcripts); c.431T>C, p.Ile144Thr (NM_001322006.2, NM_001322014.2); c.113T>C, p.Ile38Thr (NM_001322007.2, NM_001322008.2); c.-454T>C (NM_001322011.2, NM_001322012.2); c.122T>C, p.Ile41Thr (NM_001322015.2); short protein forms I38T, I41T, I9T, I144T.
Identifiers: ClinVar variation 1514268 (VCV001514268.8), dbSNP rs2128818030, ClinGen allele CA366744362.